The following is an entry in ClinVar:

ClinVar aggregate classification (germline): Pathogenic/Likely pathogenic. Review status: criteria provided, multiple submitters, no conflicts (2 of 4 stars). 3 submissions from 3 submitters: Pathogenic (1); Likely pathogenic (2). Last evaluated 2024-07-01.

Conditions:
Early-infantile DEE. Also called: Early infantile epileptic encephalopathy; Ohtahara syndrome; Early infantile epileptic encephalopathy with suppression bursts. Identifiers: Orphanet 1934, MedGen C0393706, MONDO:0800491.
Severe myoclonic epilepsy in infancy (DRVT). Also called: SEVERE MYOCLONIC EPILEPSY OF INFANCY; DEVELOPMENTAL AND EPILEPTIC ENCEPHALOPATHY 6A; Dravet syndrome; Epileptic encephalopathy, early infantile, 6 (Dravet syndrome); Severe Myoclonic Epilepsy in Infancy (SMEI). Identifiers: Orphanet 33069, MedGen C0751122, MONDO:0100135, OMIM 607208.

Submissions (3):

Labcorp Genetics (formerly Invitae), Labcorp
Classification: Pathogenic for Early-infantile DEE. Last evaluated: 2024-07-01. Review status: criteria provided, single submitter. Criteria: Invitae Variant Classification Sherloc (09022015). Collection method: clinical testing. Allele origin: germline.
Comment: This sequence change replaces valine, which is neutral and non-polar, with methionine, which is neutral and non-polar, at codon 1350 of the SCN1A protein (p.Val1350Met). This variant is not present in population databases (gnomAD no frequency). This missense change has been observed in individual(s) with clinical features of early infantile epileptic encephalopathy (Invitae). In at least one individual the variant was observed to be de novo. ClinVar contains an entry for this variant (Variation ID: 838141). Advanced modeling of protein sequence and biophysical properties (such as structural, functional, and spatial information, amino acid conservation, physicochemical variation, residue mobility, and thermodynamic stability) performed at Invitae indicates that this missense variant is expected to disrupt SCN1A protein function with a positive predictive value of 95%. This variant disrupts the p.Val1350 amino acid residue in SCN1A. Other variant(s) that disrupt this residue have been determined to be pathogenic (PMID: 21248271, 30321769). This suggests that this residue is clinically significant, and that variants that disrupt this residue are likely to be disease-causing. For these reasons, this variant has been classified as Pathogenic.

3billion
Classification: Likely pathogenic for Severe myoclonic epilepsy in infancy. Last evaluated: 2022-09-01. Review status: criteria provided, single submitter. Criteria: ACMG Guidelines, 2015. Collection method: clinical testing. Allele origin: germline. Affected: yes. Observed: 1 heterozygote.
Comment: The variant is not observed in the gnomAD v2.1.1 dataset. Missense changes are a common disease-causing mechanism. In silico tool predictions suggest damaging effect of the variant on gene or gene product (REVEL: 0.91; 3Cnet: 0.99). Same nucleotide change resulting in same amino acid change (ClinVar ID: VCV000838141 ) and a different missense change at the same codon (p.Val1350Leu / ClinVar ID: VCV000654455 ) have been previously reported to be associated with SCN1A-related disorder. Therefore, this variant is classified as Likely pathogenic according to the recommendation of ACMG/AMP guideline.

Neuberg Centre For Genomic Medicine, NCGM
Classification: Likely pathogenic for Severe myoclonic epilepsy in infancy. Review status: criteria provided, single submitter. Criteria: ACMG Guidelines, 2015. Collection method: clinical testing. Allele origin: germline. Inheritance: Autosomal dominant inheritance. Affected: yes.
Comment: The missense variant c.4048G>A (p.Val1350Met) in the SCN1A gene has been reported in heterozygous state in an individual affected with generalized epilepsy (Zou D. et al., 2021). Different amino acid change affecting the same codon has also been reported previously (Esterhuizen AI. et al., 2018). The variant is novel (not in any individuals) in gnomAD Exomes and 1000 Genomes. It has been submitted to ClinVar as Pathogenic. The amino acid Valine at position 1350 is changed to a Methionine changing protein sequence and it might alter its composition and physico-chemical properties. The residue is predicted as conserved by GERP++ and PhyloP across 100 vertebrates. For these reasons, this variant has been classified as Likely Pathogenic.

Literature cited by the submitters: PubMed 21248271 (cited by Labcorp Genetics (formerly Invitae), Labcorp); PubMed 30321769 (cited by Labcorp Genetics (formerly Invitae), Labcorp).

NM_001165963.4(SCN1A):c.4048G>A (p.Val1350Met)

Genes: SCN1A (sodium voltage-gated channel alpha subunit 1; minus strand), LOC102724058 (uncharacterized LOC102724058; plus strand). Cytogenetic location: 2q24.3.
Variant type: single nucleotide variant.
Coding change: c.4048G>A on transcript NM_001165963.4 (MANE Select); coding-DNA position 4048, G replaced by A.
Protein change: p.Val1350Met; replaces valine 1350 with methionine.
Molecular consequence: missense variant. On other transcripts: non-coding transcript variant (1).
Genome position (GRCh38, 1-based): chr2:166,002,708, C>T on the plus strand (G>A on the coding strand, the complement: SCN1A is on the minus strand). VCF-style: chr2-166002708-C-T. GRCh37 (hg19) VCF-style: chr2-166859218-C-T.
Other names: c.3964G>A, p.Val1322Met (NM_001165964.3, NM_001353957.2, NM_001353958.2); c.4048G>A, p.Val1350Met (NM_001202435.3, NM_001353948.2); c.4015G>A, p.Val1339Met (NM_001353949.2, NM_001353950.2, NM_001353951.2 and 2 more transcripts); c.4012G>A, p.Val1338Met (NM_001353954.2, NM_001353955.2); c.3961G>A, p.Val1321Met (NM_001353960.2); c.1606G>A, p.Val536Met (NM_001353961.2); short protein forms V1321M, V1322M, V1338M, V1339M, V1350M, V536M.
Identifiers: ClinVar variation 838141 (VCV000838141.13), dbSNP rs1574006637, ClinGen allele CA349050699.